The following is an entry in ClinVar:

NM_002474.3(MYH11):c.29A>G (p.Asp10Gly)

Gene: MYH11 (myosin heavy chain 11; minus strand). Cytogenetic location: 16p13.11.
Variant type: single nucleotide variant.
Coding change: c.29A>G on transcript NM_002474.3 (MANE Select); coding-DNA position 29, A replaced by G.
Protein change: p.Asp10Gly; replaces aspartic acid 10 with glycine.
Molecular consequence: missense variant.
Genome position (GRCh38, 1-based): chr16:15,838,224, T>C on the plus strand (A>G on the coding strand, the complement: MYH11 is on the minus strand). VCF-style: chr16-15838224-T-C. GRCh37 (hg19) VCF-style: chr16-15932081-T-C.
Other names: c.29A>G, p.Asp10Gly (NM_001040113.2, NM_001040114.2, NM_022844.3); short protein forms D10G.
Identifiers: ClinVar variation 4114595 (VCV004114595.1).

ClinVar aggregate classification (germline): Uncertain significance (1 of 4 stars; one submission).

Conditions:
Familial thoracic aortic aneurysm and aortic dissection (TAAD). Also called: Thoracic aortic aneurysms and dissections. Identifiers: Orphanet 91387, MedGen C4707243, MONDO:0019625.

Submission:

Ambry Genetics
Classification: Uncertain significance for Familial thoracic aortic aneurysm and aortic dissection. Last evaluated: 2025-08-24. Review status: criteria provided, single submitter. Criteria: Ambry Variant Classification Scheme 2023. Collection method: clinical testing. Allele origin: germline.
Comment: The p.D10G variant (also known as c.29A>G), located in coding exon 1 of the MYH11 gene, results from an A to G substitution at nucleotide position 29. The aspartic acid at codon 10 is replaced by glycine, an amino acid with similar properties. This amino acid position is conserved. In addition, the in silico prediction for this alteration is inconclusive. Based on the available evidence, the clinical significance of this variant remains unclear.